The following is an entry in ClinVar:

NM_201384.3(PLEC):c.5674G>A (p.Glu1892Lys)

Gene: PLEC (plectin; minus strand). Cytogenetic location: 8q24.3.
Variant type: single nucleotide variant.
Coding change: c.5674G>A on transcript NM_201384.3 (MANE Select); coding-DNA position 5674, G replaced by A.
Protein change: p.Glu1892Lys; replaces glutamic acid 1892 with lysine.
Molecular consequence: missense variant.
Genome position (GRCh38, 1-based): chr8:143,924,255, C>T on the plus strand (G>A on the coding strand, the complement: PLEC is on the minus strand). VCF-style: chr8-143924255-C-T. GRCh37 (hg19) VCF-style: chr8-144998423-C-T.
Other names: c.5755G>A (NM_000445.3); c.5755G>A, p.Glu1919Lys (NM_000445.5); c.5632G>A, p.Glu1878Lys (NM_201378.4); c.5608G>A, p.Glu1870Lys (NM_201379.3); c.6085G>A, p.Glu2029Lys (NM_201380.4); c.5578G>A, p.Glu1860Lys (NM_201381.3); c.5674G>A, p.Glu1892Lys (NM_201382.4); c.5686G>A, p.Glu1896Lys (NM_201383.3); short protein forms E1892K, E1860K, E1878K, E1870K, E1896K, E1919K, E2029K.
Identifiers: ClinVar variation 968010 (VCV000968010.38), dbSNP rs201075382, ClinGen allele CA4926278.
Genomic context (GRCh38, chr8:143,924,255, plus strand): 5'-GCCCCTTCTGCCGCTCCAGCTCGCTGTCCGATGCCTTGCGCAGCTGGGCCAGGCGCTCCT[C>T]GATGTCAGCCTTGTGTTGCGCGGCCTGCTCCTCCAGCCGCCGCCGCTGGAAGGCCTCGTC-3'
Protein context (NP_958786.1, residues 1882-1902): EQAAQHKADI[Glu1892Lys]ERLAQLRKAS

ClinVar aggregate classification (germline): Uncertain significance. Review status: criteria provided, multiple submitters, no conflicts (2 of 4 stars). 5 submissions from 5 submitters: Uncertain significance (5). Last evaluated 2026-06-02.

Conditions:
PLEC-related disorder. Also called: PLEC-related disorders; PLEC-related condition.
Autosomal recessive limb-girdle muscular dystrophy type 2Q (LGMDR17). Also called: MUSCULAR DYSTROPHY, LIMB-GIRDLE, AUTOSOMAL RECESSIVE 17. Identifiers: Orphanet 254361, MedGen C3150989, MONDO:0013390, OMIM 613723.
Epidermolysis bullosa simplex 5B, with muscular dystrophy (EBS5B). Also called: Epidermolysis bullosa simplex with muscular dystrophy; EPIDERMOLYSIS BULLOSA SIMPLEX AND LIMB-GIRDLE MUSCULAR DYSTROPHY. Identifiers: Orphanet 257, MedGen C2931072, MONDO:0009181, OMIM 226670.
Epidermolysis bullosa simplex 5C, with pyloric atresia (EBS5C). Also called: PLEC1-Related Epidermolysis Bullosa with Pyloric Atresia; PLEC-Related Epidermolysis Bullosa with Pyloric Atresia; Epidermolysis bullosa simplex with pyloric atresia. Identifiers: Orphanet 158684, MedGen C2677349, MONDO:0012807, OMIM 612138.
Epidermolysis bullosa simplex, Ogna type (EBS5A). Also called: Pidermolysis bullosa simplex 5A, Ogna type; EPIDERMOLYSIS BULLOSA SIMPLEX 5A, OGNA TYPE. Identifiers: Orphanet 79401, MedGen C0432317, MONDO:0007555, OMIM 131950.
Epidermolysis bullosa simplex with nail dystrophy (EBS5D). Identifiers: MedGen C4225309, MONDO:0014661, OMIM 616487.
Inborn genetic diseases. Identifiers: MedGen C0950123, MeSH D030342.

Allele frequency attached by ClinVar (database versions not stated): gnomAD exomes 0.00005 and 0.00014; ExAC 0.00007; TOPMed 0.00012; gnomAD 0.00013 and 0.00014; ESP Exome Variant Server 0.00016; 1000 Genomes Project 0.00020; 1000 Genomes Project 30x 0.00031.
gnomAD v4.1: 221 of 1,598,090 alleles (0.014%); highest among the groups gnomAD compares: East Asian, 0.4%; no homozygotes.

Submissions (5):

PreventionGenetics, part of Exact Sciences
Classification: Uncertain significance for PLEC-related condition. Last evaluated: 2026-06-02. Review status: criteria provided, single submitter. Criteria: ACMG Guidelines, 2015. Collection method: clinical testing. Allele origin: germline.
Comment: The PLEC c.5755G>A variant is predicted to result in the amino acid substitution p.Glu1919Lys. This variant was reported in an individual with autism spectrum disorder (Table S20, Fu et al. 2022. PubMed ID: 35982160; Supplementary Data 1, Zhou et al. 2022. PubMed ID: 35982159). This variant is reported in 0.040% of alleles in individuals of African descent in gnomAD. At this time, the clinical significance of this variant is uncertain due to the absence of conclusive functional and genetic evidence.

Revvity Omics, Revvity
Classification: Uncertain significance. Last evaluated: 2025-05-21. Review status: criteria provided, single submitter. Criteria: ACMG Guidelines, 2015. Collection method: clinical testing. Allele origin: germline.

Labcorp Genetics (formerly Invitae), Labcorp
Classification: Uncertain significance for Autosomal recessive limb-girdle muscular dystrophy type 2Q; Epidermolysis bullosa simplex, Ogna type; Epidermolysis bullosa simplex with nail dystrophy; Epidermolysis bullosa simplex 5C, with pyloric atresia; Epidermolysis bullosa simplex 5B, with muscular dystrophy. Last evaluated: 2025-01-29. Review status: criteria provided, single submitter. Criteria: Invitae Variant Classification Sherloc (09022015). Collection method: clinical testing. Allele origin: germline.
Comment: This sequence change replaces glutamic acid, which is acidic and polar, with lysine, which is basic and polar, at codon 1919 of the PLEC protein (p.Glu1919Lys). This variant is present in population databases (rs201075382, gnomAD 0.04%). This variant has not been reported in the literature in individuals affected with PLEC-related conditions. ClinVar contains an entry for this variant (Variation ID: 968010). Experimental studies and prediction algorithms are not available or were not evaluated, and the functional significance of this variant is currently unknown. In summary, the available evidence is currently insufficient to determine the role of this variant in disease. Therefore, it has been classified as a Variant of Uncertain Significance.

CeGaT Center for Human Genetics Tuebingen
Classification: Uncertain significance. Last evaluated: 2023-04-01. Review status: criteria provided, single submitter. Criteria: CeGaT Center For Human Genetics Tuebingen Variant Classification Criteria Version 2. Collection method: clinical testing. Allele origin: germline. Affected: yes. Observed: 1 variant allele.
Comment: PLEC: PP3, BP1

Ambry Genetics
Classification: Uncertain significance for Inborn genetic diseases. Last evaluated: 2022-09-29. Review status: criteria provided, single submitter. Criteria: Ambry Variant Classification Scheme 2023. Collection method: clinical testing. Allele origin: germline.